The following is an entry in ClinVar:

ClinVar aggregate classification (germline): Uncertain significance (1 of 4 stars; one submission).

Submission:

GeneDx
Classification: Uncertain significance. Last evaluated: 2025-02-05. Review status: criteria provided, single submitter. Criteria: GeneDx Variant Classification Process June 2021. Collection method: clinical testing. Allele origin: germline. Affected: yes.
Comment: Not observed at significant frequency in large population cohorts (gnomAD); In silico analysis indicates that this missense variant does not alter protein structure/function; Has not been previously published as pathogenic or benign to our knowledge

NM_005120.3(MED12):c.149C>T (p.Ala50Val)

Gene: MED12 (mediator complex subunit 12; plus strand). Cytogenetic location: Xq13.1.
Variant type: single nucleotide variant.
Coding change: c.149C>T on transcript NM_005120.3 (MANE Select); coding-DNA position 149, C replaced by T.
Protein change: p.Ala50Val; replaces alanine 50 with valine.
Molecular consequence: missense variant.
Genome position (GRCh38, 1-based): chrX:71,119,422, C>T. VCF-style: chrX-71119422-C-T. GRCh37 (hg19) VCF-style: chrX-70339272-C-T.
Other names: short protein forms A50V.
Identifiers: ClinVar variation 4074376 (VCV004074376.1).